The following is an entry in ClinVar:

NM_198173.3(GRHL3):c.738C>T (p.Gly246=)

Gene: GRHL3 (grainyhead like transcription factor 3; plus strand). Cytogenetic location: 1p36.11.
Variant type: single nucleotide variant.
Coding change: c.738C>T on transcript NM_198173.3 (MANE Select); coding-DNA position 738, C replaced by T.
Protein change: p.Gly246=; no amino-acid change (glycine 246 retained).
Molecular consequence: synonymous variant.
Genome position (GRCh38, 1-based): chr1:24,337,687, C>T. VCF-style: chr1-24337687-C-T. GRCh37 (hg19) VCF-style: chr1-24664177-C-T.
Other names: c.600C>T, p.Gly200= (NM_001195010.2); c.753C>T, p.Gly251= (NM_021180.4); c.738C>T, p.Gly246= (NM_198174.3); c.738C>T (NM_198173.2, NM_198174.2).
Identifiers: ClinVar variation 219243 (VCV000219243.38), dbSNP rs886037767, ClinGen allele CA10575843.

ClinVar aggregate classification (germline): Conflicting classifications of pathogenicity. Review status: criteria provided, conflicting classifications (1 of 4 stars). 6 submissions from 6 submitters: Pathogenic (2); Likely pathogenic (1); Uncertain significance (2). 1 of the submissions does not count toward it. Last evaluated 2026-08-31.

Conditions:
GRHL3-related disorder. Also called: GRHL3-related condition.
Van der Woude syndrome 2 (VWS2). Identifiers: Orphanet 888, MedGen C1847604, MONDO:0011712, OMIM 606713.
Isolated cleft palate. Also called: nonsyndromic cleft palate. Identifiers: Orphanet 2014, MedGen C1837218, MONDO:0007336, OMIM 119540.

Allele frequency attached by ClinVar (database versions not stated): gnomAD exomes below 0.00001; TOPMed 0.00001.
gnomAD v4.1: 2 of 1,614,174 alleles (0.00012%); highest among the groups gnomAD compares: Non-Finnish European, 0.000085%; no homozygotes.

Submissions (6):

PreventionGenetics, part of Exact Sciences
Classification: Uncertain significance for GRHL3-related condition. Last evaluated: 2026-08-31. Review status: criteria provided, single submitter. Criteria: ACMG Guidelines, 2015. Collection method: clinical testing. Allele origin: germline.
Comment: The GRHL3 c.738C>T variant is not predicted to result in an amino acid change (p.=). This variant is predicted to activate a cryptic splice donor site (Alamut Visual v1.6.1; SpliceAI, Jaganathan et al. 2019. PubMed ID: 30661751); however, the use of in silico prediction programs is not equivalent to functional evidence. This variant has been reported de novo in a mother and was inherited by her child, both with nonsyndromic cleft palate only (Family BN-248; see Figure S3, Table S2 in Mangold et al. 2016. PubMed ID: 27018475). This variant has also been reported de novo in one individual from a large cohort of individuals with autism spectrum disorder (ASD) (reported with genomic position 24664177 in Table S2/S4, Lim et al. 2017. PubMed ID: 28714951). This variant is reported in 0.0046% of alleles in individuals of European (Finnish) descent in gnomAD. Although we suspect that this variant may be pathogenic, the clinical significance of this variant is uncertain at this time due to the absence of conclusive functional and genetic evidence.

3billion
Classification: Uncertain significance for Van der Woude syndrome 2. Last evaluated: 2024-11-07. Review status: criteria provided, single submitter. Criteria: ACMG Guidelines, 2015. Collection method: clinical testing. Allele origin: germline. Affected: yes.
Comment: The variant is observed at an extremely low frequency in the gnomAD v4.1.0 dataset (total allele frequency: <0.001%). Predicted Consequence/Location: Synonymous variant In silico tools predict the variant to alter splicing and produce an abnormal transcript [SpliceAI: 0.69 (>=0.2, moderate evidence for spliceogenicity)]. The variant has been reported to be associated with GRHL3 related disorder (ClinVar ID: VCV000219243 /PMID: 27018475). However, the evidence of pathogenicity is insufficient at this time. Therefore, this variant is classified as VUS according to the recommendation of ACMG/AMP guideline.

Labcorp Genetics (formerly Invitae), Labcorp
Classification: Pathogenic for Van der Woude syndrome 2. Last evaluated: 2024-02-20. Review status: criteria provided, single submitter. Criteria: Invitae Variant Classification Sherloc (09022015). Collection method: clinical testing. Allele origin: germline.
Comment: This sequence change affects codon 246 of the GRHL3 mRNA. It is a 'silent' change, meaning that it does not change the encoded amino acid sequence of the GRHL3 protein. This variant is present in population databases (no rsID available, gnomAD 0.004%). This variant has been observed in individual(s) with GRHL3-related conditions (PMID: 27018475). In at least one individual the variant was observed to be de novo. ClinVar contains an entry for this variant (Variation ID: 219243). Algorithms developed to predict the effect of sequence changes on RNA splicing suggest that this variant may create or strengthen a splice site. For these reasons, this variant has been classified as Pathogenic.

CeGaT Center for Human Genetics Tuebingen
Classification: Likely pathogenic. Last evaluated: 2022-02-01. Review status: criteria provided, single submitter. Criteria: CeGaT Center For Human Genetics Tuebingen Variant Classification Criteria Version 2. Collection method: clinical testing. Allele origin: germline. Affected: yes. Observed: 1 variant allele.

Ludwig Lab, Institute of Human Genetics, University Hospital Bonn
Classification: Pathogenic for nonsyndromic cleft palate. Last evaluated: 2015-12-01. Review status: criteria provided, single submitter. Criteria: Submitter's publication. Collection method: research. Allele origin: de novo. Affected: yes. Study: GRHL3 sequencing.

GeneDx
Classification: Uncertain significance. Last evaluated: 2024-01-06. Review status: flagged submission. Criteria: GeneDx Variant Classification Process June 2021. Collection method: clinical testing. Allele origin: germline. Affected: yes. Not counted in ClinVar's aggregate classification.
Comment: Not observed at significant frequency in large population cohorts (gnomAD); In silico analysis supports a deleterious effect on splicing; This variant is associated with the following publications: (PMID: 31785789, 28714951, 35982159, 35982160, 27018475)
ClinVar note: Reason: Outlier claim with insufficient supporting evidence

Literature cited by the submitters: PubMed 27018475 (cited by 3billion and Labcorp Genetics (formerly Invitae), Labcorp).